The following is an entry in ClinVar:

ClinVar aggregate classification (germline): Conflicting classifications of pathogenicity. Review status: criteria provided, conflicting classifications (1 of 4 stars). 2 submissions from 2 submitters: Uncertain significance (1); Likely benign (1). Last evaluated 2026-03-01.

Conditions:
Inborn genetic diseases. Identifiers: MedGen C0950123, MeSH D030342.

Allele frequency attached by ClinVar (database versions not stated): ExAC 0.00005; ESP Exome Variant Server 0.00008; gnomAD 0.00009; TOPMed 0.00009; 1000 Genomes Project 0.00020.
gnomAD v4.1: 287 of 1,559,162 alleles (0.018%); highest among the groups gnomAD compares: Non-Finnish European, 0.023%; no homozygotes.

Submissions (2):

CeGaT Center for Human Genetics Tuebingen
Classification: Likely benign. Last evaluated: 2026-03-01. Review status: criteria provided, single submitter. Criteria: CeGaT Center For Human Genetics Tuebingen Variant Classification Criteria Version 2. Collection method: clinical testing. Allele origin: germline. Affected: yes. Observed: 1 variant allele.
Comment: SETD1A: BS1

Ambry Genetics
Classification: Uncertain significance for Inborn genetic diseases. Last evaluated: 2021-10-26. Review status: criteria provided, single submitter. Criteria: Ambry Variant Classification Scheme 2023. Collection method: clinical testing. Allele origin: germline.

NM_014712.3(SETD1A):c.1879C>G (p.Pro627Ala)

Gene: SETD1A (SET domain containing 1A, histone lysine methyltransferase; plus strand). Cytogenetic location: 16p11.2.
Variant type: single nucleotide variant.
Coding change: c.1879C>G on transcript NM_014712.3 (MANE Select); coding-DNA position 1879, C replaced by G.
Protein change: p.Pro627Ala; replaces proline 627 with alanine.
Molecular consequence: missense variant.
Genome position (GRCh38, 1-based): chr16:30,965,760, C>G. VCF-style: chr16-30965760-C-G. GRCh37 (hg19) VCF-style: chr16-30977081-C-G.
Other names: short protein forms P627A.
Identifiers: ClinVar variation 2349401 (VCV002349401.6), dbSNP rs376474875, ClinGen allele CA8016800.